The following is an entry in ClinVar:

ClinVar aggregate classification (germline): Uncertain significance. Review status: criteria provided, multiple submitters, no conflicts (2 of 4 stars). 3 submissions from 3 submitters: Uncertain significance (3). Last evaluated 2025-12-28.

Conditions:
Inborn genetic diseases. Identifiers: MedGen C0950123, MeSH D030342.
KBG syndrome (KBGS). Also called: ANKRD11-Related KBG Syndrome. Identifiers: Orphanet 2332, MedGen C0220687, MONDO:0007846, OMIM 148050.

Allele frequency attached by ClinVar (database versions not stated): gnomAD exomes 0.00001.
gnomAD v4.1: 11 of 1,527,436 alleles (0.00072%); highest among the groups gnomAD compares: East Asian, 0.0025%; no homozygotes.

Submissions (3):

Labcorp Genetics (formerly Invitae), Labcorp
Classification: Uncertain significance for KBG syndrome. Last evaluated: 2025-12-28. Review status: criteria provided, single submitter. Criteria: Invitae Variant Classification Sherloc (09022015). Collection method: clinical testing. Allele origin: germline.
Comment: This sequence change replaces alanine, which is neutral and non-polar, with threonine, which is neutral and polar, at codon 2258 of the ANKRD11 protein (p.Ala2258Thr). This variant is not present in population databases (gnomAD no frequency). This variant has not been reported in the literature in individuals affected with ANKRD11-related conditions. ClinVar contains an entry for this variant (Variation ID: 2166658). Invitae Evidence Modeling of protein sequence and biophysical properties (such as structural, functional, and spatial information, amino acid conservation, physicochemical variation, residue mobility, and thermodynamic stability) indicates that this missense variant is not expected to disrupt ANKRD11 protein function with a negative predictive value of 95%. In summary, the available evidence is currently insufficient to determine the role of this variant in disease. Therefore, it has been classified as a Variant of Uncertain Significance.

CeGaT Center for Human Genetics Tuebingen
Classification: Uncertain significance. Last evaluated: 2022-12-01. Review status: criteria provided, single submitter. Criteria: CeGaT Center For Human Genetics Tuebingen Variant Classification Criteria Version 2. Collection method: clinical testing. Allele origin: germline. Affected: yes. Observed: 1 variant allele.
Comment: ANKRD11: PM2, BP4

Ambry Genetics
Classification: Uncertain significance for Inborn genetic diseases. Last evaluated: 2021-07-13. Review status: criteria provided, single submitter. Criteria: Ambry Variant Classification Scheme 2023. Collection method: clinical testing. Allele origin: germline.

NM_013275.6(ANKRD11):c.6772G>A (p.Ala2258Thr)

Gene: ANKRD11 (ankyrin repeat domain 11; minus strand). Cytogenetic location: 16q24.3.
Variant type: single nucleotide variant.
Coding change: c.6772G>A on transcript NM_013275.6 (MANE Select); coding-DNA position 6772, G replaced by A.
Protein change: p.Ala2258Thr; replaces alanine 2258 with threonine.
Molecular consequence: missense variant.
Genome position (GRCh38, 1-based): chr16:89,279,770, C>T on the plus strand (G>A on the coding strand, the complement: ANKRD11 is on the minus strand). VCF-style: chr16-89279770-C-T. GRCh37 (hg19) VCF-style: chr16-89346178-C-T.
Other names: c.6772G>A, p.Ala2258Thr (NM_001256182.2, NM_001256183.2); c.6772G>A (NM_013275.4); short protein forms A2258T.
Identifiers: ClinVar variation 2166658 (VCV002166658.29), dbSNP rs907454686, ClinGen allele CA397150052.